The following is an entry in ClinVar:

ClinVar aggregate classification (germline): Conflicting classifications of pathogenicity. Review status: criteria provided, conflicting classifications (1 of 4 stars). 4 submissions from 4 submitters: Uncertain significance (1); Likely benign (2). 1 of the submissions does not count toward it. Last evaluated 2025-09-10.

Conditions:
OFD1-related disorder. Also called: OFD1-related condition.
Orofaciodigital syndrome I (OFD1). Also called: Oral-Facial-Digital Syndrome Type I; Papillon-Leage and Psaume Syndrome; OFDS I. Identifiers: Orphanet 2750, MedGen C1510460, MONDO:0010702, OMIM 311200.
Joubert syndrome. Also called: Familial aplasia of the vermis; JOUBERT-BOLTSHAUSER SYNDROME. Identifiers: Orphanet 475, MedGen C5979921, MONDO:0018772.
Primary ciliary dyskinesia. Also called: Ciliary dyskinesia. Identifiers: Orphanet 244, MedGen C0008780, MONDO:0016575, HP:0012265.

Allele frequency attached by ClinVar (database versions not stated): gnomAD exomes 0.00001; TOPMed 0.00001; gnomAD 0.00002 and 0.00003.
gnomAD v4.1: 6 of 1,209,653 alleles (0.0005%); highest among the groups gnomAD compares: Admixed American, 0.013%; no homozygotes.

Submissions (5):

Labcorp Genetics (formerly Invitae), Labcorp
Classification: Likely benign for Orofaciodigital syndrome I; Joubert syndrome. Last evaluated: 2025-09-10. Review status: criteria provided, single submitter. Criteria: Invitae Variant Classification Sherloc (09022015). Collection method: clinical testing. Allele origin: germline.

GeneDx
Classification: Uncertain significance. Last evaluated: 2020-06-19. Review status: criteria provided, single submitter. Criteria: GeneDx Variant Classification Process June 2021. Collection method: clinical testing. Allele origin: germline. Affected: yes.
Comment: Has not been previously published as pathogenic or benign to our knowledge; In silico analysis suggests this variant may impact gene splicing. In the absence of RNA/functional studies, the actual effect of this sequence change is unknown.

Ambry Genetics
Classification: Likely benign for Primary ciliary dyskinesia. Last evaluated: 2020-05-26. Review status: criteria provided, single submitter. Criteria: Ambry Variant Classification Scheme 2023. Collection method: clinical testing. Allele origin: germline.

PreventionGenetics, part of Exact Sciences
Classification: Likely benign for OFD1-related condition. Last evaluated: 2024-04-03. Review status: no assertion criteria provided. Collection method: clinical testing. Allele origin: germline. Not counted in ClinVar's aggregate classification.
Comment: This variant is classified as likely benign based on ACMG/AMP sequence variant interpretation guidelines (Richards et al. 2015 PMID: 25741868, with internal and published modifications).

Dr. Peter K. Rogan Lab, Western University
No classification provided (evidence only). Condition: Nonpapillary renal cell carcinoma. Review status: no classification provided. Collection method: in vitro. Allele origin: not applicable. Functional consequence: retained intron. Not counted in ClinVar's aggregate classification.

NM_003611.3(OFD1):c.2223A>G (p.Lys741=)

Gene: OFD1 (OFD1 centriole and centriolar satellite protein; plus strand). Cytogenetic location: Xp22.2.
Variant type: single nucleotide variant.
Coding change: c.2223A>G on transcript NM_003611.3 (MANE Select); coding-DNA position 2223, A replaced by G.
Protein change: p.Lys741=; no amino-acid change (lysine 741 retained).
Molecular consequence: synonymous variant.
Genome position (GRCh38, 1-based): chrX:13,760,683, A>G. VCF-style: chrX-13760683-A-G. GRCh37 (hg19) VCF-style: chrX-13778802-A-G.
Other names: c.2103A>G, p.Lys701= (NM_001330209.2); c.1803A>G, p.Lys601= (NM_001330210.2).
Identifiers: ClinVar variation 1304002 (VCV001304002.14), dbSNP rs1355239331, ClinGen allele CA515624183.